The following is an entry in ClinVar:

NM_001321075.3(DLG4):c.787+105A>G

Gene: DLG4 (discs large MAGUK scaffold protein 4; minus strand). Cytogenetic location: 17p13.1.
Variant type: single nucleotide variant.
Coding change: c.787+105A>G on transcript NM_001321075.3 (MANE Select); 105 bases into the intron after coding-DNA position 787, A replaced by G.
Molecular consequence: intron variant.
Genome position (GRCh38, 1-based): chr17:7,202,798, T>C on the plus strand (A>G on the coding strand, the complement: DLG4 is on the minus strand). VCF-style: chr17-7202798-T-C. GRCh37 (hg19) VCF-style: chr17-7106117-T-C.
Other names: c.916+105A>G (NM_001365.5); c.778+105A>G (NM_001128827.4); c.706+105A>G (NM_001369566.3); c.607+105A>G (NM_001321077.3, NM_001321076.3); c.907+105A>G (NM_001321074.1).
Identifiers: ClinVar variation 3239137 (VCV003239137.19), dbSNP rs772985422.

ClinVar aggregate classification (germline): Uncertain significance (1 of 4 stars; one submission).

Allele frequency attached by ClinVar (database versions not stated): TOPMed below 0.00001; gnomAD 0.00001; gnomAD exomes 0.00001; ExAC 0.00003.
gnomAD v4.1: 14 of 1,408,310 alleles (0.00099%); highest among the groups gnomAD compares: East Asian, 0.0093%; no homozygotes.

Submission:

CeGaT Center for Human Genetics Tuebingen
Classification: Uncertain significance. Last evaluated: 2024-05-01. Review status: criteria provided, single submitter. Criteria: CeGaT Center For Human Genetics Tuebingen Variant Classification Criteria Version 2. Collection method: clinical testing. Allele origin: germline. Affected: yes. Observed: 1 variant allele.
Comment: DLG4: PP2